The following is an entry in ClinVar:

NM_015375.3(DSTYK):c.2617C>T (p.Arg873Cys)

Gene: DSTYK (dual serine/threonine and tyrosine protein kinase; minus strand). Cytogenetic location: 1q32.1.
Variant type: single nucleotide variant.
Coding change: c.2617C>T on transcript NM_015375.3 (MANE Select); coding-DNA position 2617, C replaced by T.
Protein change: p.Arg873Cys; replaces arginine 873 with cysteine.
Molecular consequence: missense variant.
Genome position (GRCh38, 1-based): chr1:205,147,731, G>A on the plus strand (C>T on the coding strand, the complement: DSTYK is on the minus strand). VCF-style: chr1-205147731-G-A. GRCh37 (hg19) VCF-style: chr1-205116859-G-A.
Other names: c.2482C>T, p.Arg828Cys (NM_199462.3); short protein forms R828C, R873C.
Identifiers: ClinVar variation 3694896 (VCV003694896.2).

ClinVar aggregate classification (germline): Uncertain significance (1 of 4 stars; one submission).

gnomAD v4.1: 14 of 1,613,506 alleles (0.00087%); highest among the groups gnomAD compares: African/African-American, 0.0053%; no homozygotes.

Submission:

Labcorp Genetics (formerly Invitae), Labcorp
Classification: Uncertain significance. Last evaluated: 2024-06-29. Review status: criteria provided, single submitter. Criteria: Invitae Variant Classification Sherloc (09022015). Collection method: clinical testing. Allele origin: germline.
Comment: This sequence change replaces arginine, which is basic and polar, with cysteine, which is neutral and slightly polar, at codon 873 of the DSTYK protein (p.Arg873Cys). This variant is present in population databases (rs766279464, gnomAD 0.007%). This variant has not been reported in the literature in individuals affected with DSTYK-related conditions. An algorithm developed to predict the effect of missense changes on protein structure and function (PolyPhen-2) suggests that this variant is likely to be disruptive. In summary, the available evidence is currently insufficient to determine the role of this variant in disease. Therefore, it has been classified as a Variant of Uncertain Significance.